The following is an entry in ClinVar:

NM_152612.3(CCDC116):c.1241C>T (p.Pro414Leu)

Gene: CCDC116 (coiled-coil domain containing 116; plus strand). Cytogenetic location: 22q11.21.
Variant type: single nucleotide variant.
Coding change: c.1241C>T on transcript NM_152612.3 (MANE Select); coding-DNA position 1241, C replaced by T.
Protein change: p.Pro414Leu; replaces proline 414 with leucine.
Molecular consequence: missense variant.
Genome position (GRCh38, 1-based): chr22:21,636,469, C>T. VCF-style: chr22-21636469-C-T. GRCh37 (hg19) VCF-style: chr22-21990758-C-T.
Other names: short protein forms P414L.
Identifiers: ClinVar variation 2393550 (VCV002393550.8), dbSNP rs755911617, ClinGen allele CA10123277.

ClinVar aggregate classification (germline): Conflicting classifications of pathogenicity. Review status: criteria provided, conflicting classifications (1 of 4 stars). 2 submissions from 2 submitters: Uncertain significance (1); Likely benign (1). Last evaluated 2025-09-01.

Allele frequency attached by ClinVar (database versions not stated): ExAC 0.00001; gnomAD 0.00001; TOPMed 0.00002; gnomAD exomes 0.00006.
gnomAD v4.1: 88 of 1,613,664 alleles (0.0055%); highest among the groups gnomAD compares: Middle Eastern, 0.017%; no homozygotes.

Submissions (2):

CeGaT Center for Human Genetics Tuebingen
Classification: Likely benign. Last evaluated: 2025-09-01. Review status: criteria provided, single submitter. Criteria: CeGaT Center For Human Genetics Tuebingen Variant Classification Criteria Version 2. Collection method: clinical testing. Allele origin: germline. Affected: yes. Observed: 1 variant allele.
Comment: CCDC116: BP4

Ambry Genetics
Classification: Uncertain significance. Last evaluated: 2022-10-07. Review status: criteria provided, single submitter. Criteria: Ambry Variant Classification Scheme 2023. Collection method: clinical testing. Allele origin: germline.